The following is an entry in ClinVar:

NM_020191.4(MRPS22):c.141G>T (p.Gly47=)

Genes: MRPS22 (mitochondrial ribosomal protein S22; plus strand), LOC112903839 (Sharpr-MPRA regulatory region 3993; plus strand). Cytogenetic location: 3q23.
Variant type: single nucleotide variant.
Coding change: c.141G>T on transcript NM_020191.4 (MANE Select); coding-DNA position 141, G replaced by T.
Protein change: p.Gly47=; no amino-acid change (glycine 47 retained).
Molecular consequence: synonymous variant.
Genome position (GRCh38, 1-based): chr3:139,344,167, G>T. VCF-style: chr3-139344167-G-T. GRCh37 (hg19) VCF-style: chr3-139063009-G-T.
Other names: c.141G>T, p.Gly47= (NM_001363893.1).
Identifiers: ClinVar variation 507992 (VCV000507992.1), dbSNP rs777835541, ClinGen allele CA2640618.

ClinVar aggregate classification (germline): Likely benign (1 of 4 stars; one submission).

Allele frequency attached by ClinVar (database versions not stated): ExAC 0.00001; gnomAD 0.00001 and 0.00003; TOPMed 0.00001 and 0.00002; gnomAD exomes 0.00001.
gnomAD v4.1: 6 of 1,610,670 alleles (0.00037%); highest among the groups gnomAD compares: Admixed American, 0.005%; no homozygotes.

Submission:

GeneDx
Classification: Likely benign. Last evaluated: 2017-03-28. Review status: criteria provided, single submitter. Criteria: GeneDx Variant Classification (06012015). Collection method: clinical testing. Allele origin: germline. Affected: yes.
Comment: This variant is considered likely benign or benign based on one or more of the following criteria: it is a conservative change, it occurs at a poorly conserved position in the protein, it is predicted to be benign by multiple in silico algorithms, and/or has population frequency not consistent with disease.